The following is an entry in ClinVar:

ClinVar aggregate classification (germline): Uncertain significance (1 of 4 stars; one submission).

Conditions:
Cardiovascular phenotype. Identifiers: MedGen CN230736.

Allele frequency attached by ClinVar (database versions not stated): TOPMed below 0.00001; gnomAD 0.00001.

Submission:

Ambry Genetics
Classification: Uncertain significance for Cardiovascular phenotype. Last evaluated: 2022-03-06. Review status: criteria provided, single submitter. Criteria: Ambry Variant Classification Scheme 2023. Collection method: clinical testing. Allele origin: germline.
Comment: The p.E259Q variant (also known as c.775G>C), located in coding exon 7 of the CASQ2 gene, results from a G to C substitution at nucleotide position 775. The glutamic acid at codon 259 is replaced by glutamine, an amino acid with highly similar properties. This amino acid position is conserved. In addition, the in silico prediction for this alteration is inconclusive. Since supporting evidence is limited at this time, the clinical significance of this alteration remains unclear.

NM_001232.4(CASQ2):c.775G>C (p.Glu259Gln)

Gene: CASQ2 (calsequestrin 2; minus strand). Cytogenetic location: 1p13.1.
Variant type: single nucleotide variant.
Coding change: c.775G>C on transcript NM_001232.4 (MANE Select); coding-DNA position 775, G replaced by C.
Protein change: p.Glu259Gln; replaces glutamic acid 259 with glutamine.
Molecular consequence: missense variant.
Genome position (GRCh38, 1-based): chr1:115,725,516, C>G on the plus strand (G>C on the coding strand, the complement: CASQ2 is on the minus strand). VCF-style: chr1-115725516-C-G. GRCh37 (hg19) VCF-style: chr1-116268137-C-G.
Other names: short protein forms E259Q.
Identifiers: ClinVar variation 1760491 (VCV001760491.2), dbSNP rs1345283398, ClinGen allele CA341768527.